The following is an entry in ClinVar:

ClinVar aggregate classification (germline): Likely pathogenic (1 of 4 stars; one submission).

Conditions:
Retinitis pigmentosa 59 (RP59). Identifiers: Orphanet 791, MedGen C3151227, MONDO:0013468, OMIM 613861.

Submission:

Natera, Inc.
Classification: Likely pathogenic for Retinitis pigmentosa type 59. Last evaluated: 2024-05-30. Review status: criteria provided, single submitter. Criteria: Natera Variant Classification Schema (03/2026). Collection method: clinical testing. Allele origin: germline.
Comment: The c.696G>A variant in DHDDS is a nonsense variant predicted to introduce a stop codon at amino acid 232. This variant is expected to result in nonsense mediated decay, truncation, or a dysfunctional protein product. This variant is rare in the general population with a frequency below the threshold expected for the associated phenotype(s). Given the available evidence, this variant is classified as Likely Pathogenic.

NM_205861.3(DHDDS):c.696G>A (p.Trp232Ter)

Gene: DHDDS (dehydrodolichyl diphosphate synthase subunit; plus strand). Cytogenetic location: 1p36.11.
Variant type: single nucleotide variant.
Coding change: c.696G>A on transcript NM_205861.3 (MANE Select); coding-DNA position 696, G replaced by A.
Protein change: p.Trp232Ter; replaces tryptophan 232 with a stop codon.
Molecular consequence: nonsense.
Genome position (GRCh38, 1-based): chr1:26,460,075, G>A. VCF-style: chr1-26460075-G-A. GRCh37 (hg19) VCF-style: chr1-26786566-G-A.
Other names: c.594G>A, p.Trp198Ter (NM_001243564.2); c.579G>A, p.Trp193Ter (NM_001243565.2); c.417G>A, p.Trp139Ter (NM_001319959.2); c.696G>A, p.Trp232Ter (NM_024887.4); short protein forms W139*, W193*, W198*, W232*.
Identifiers: ClinVar variation 4816174 (VCV004816174.1).